The following is an entry in ClinVar:

ClinVar aggregate classification (germline): Benign/Likely benign. Review status: criteria provided, multiple submitters, no conflicts (2 of 4 stars). 2 submissions from 2 submitters: Benign (1); Likely benign (1). Last evaluated 2025-06-08.

Conditions:
Pitt-Hopkins syndrome (PTHS). Also called: ENCEPHALOPATHY, SEVERE EPILEPTIC, WITH AUTONOMIC DYSFUNCTION; MENTAL RETARDATION, SYNDROMAL, WITH INTERMITTENT HYPERVENTILATION. Identifiers: Orphanet 2896, MedGen C1970431, MONDO:0012589, OMIM 610954.

Allele frequency attached by ClinVar (database versions not stated): TOPMed 0.00005; gnomAD exomes 0.00011; ExAC 0.00018; 1000 Genomes Project 30x 0.00031; 1000 Genomes Project 0.00040.
gnomAD v4.1: 275 of 1,613,774 alleles (0.017%); highest among the groups gnomAD compares: East Asian, 0.61%; 7 homozygotes.

Submissions (3):

Labcorp Genetics (formerly Invitae), Labcorp
Classification: Benign for Pitt-Hopkins syndrome. Last evaluated: 2025-06-08. Review status: criteria provided, single submitter. Criteria: Invitae Variant Classification Sherloc (09022015). Collection method: clinical testing. Allele origin: germline.

GeneDx
Classification: Likely benign. Last evaluated: 2017-10-24. Review status: criteria provided, single submitter. Criteria: GeneDx Variant Classification (06012015). Collection method: clinical testing. Allele origin: germline. Affected: yes.
Comment: This variant is considered likely benign or benign based on one or more of the following criteria: it is a conservative change, it occurs at a poorly conserved position in the protein, it is predicted to be benign by multiple in silico algorithms, and/or has population frequency not consistent with disease.

Dr. Peter K. Rogan Lab, Western University
No classification provided (evidence only). Condition: Familial cancer of breast. Review status: no classification provided. Collection method: in vitro. Allele origin: not applicable. Functional consequence: retained intron. Not counted in ClinVar's aggregate classification.

NM_001083962.2(TCF4):c.146-11C>G

Genes: TCF4 (transcription factor 4; minus strand), TCF4-AS1 (TCF4 antisense RNA 1; plus strand). Cytogenetic location: 18q21.2.
Variant type: single nucleotide variant.
Coding change: c.146-11C>G on transcript NM_001083962.2 (MANE Select); 11 bases into the intron before coding-DNA position 146, C replaced by G.
Molecular consequence: intron variant.
Genome position (GRCh38, 1-based): chr18:55,464,148, G>C on the plus strand (C>G on the coding strand, the complement: TCF4 is on the minus strand). VCF-style: chr18-55464148-G-C. GRCh37 (hg19) VCF-style: chr18-53131379-G-C.
Other names: c.452-11C>G (NM_001243226.3); c.74-11C>G (NM_001369584.1, NM_001369576.1, NM_001369577.1 and 15 more transcripts); c.146-11C>G (NM_001369571.1, NM_001369567.1, NM_001243228.2 and 8 more transcripts); c.140-11C>G (NM_001243230.2); c.20-11C>G (NM_001243231.2, NM_001348211.2).
Identifiers: ClinVar variation 512754 (VCV000512754.10), dbSNP rs191464553, ClinGen allele CA8970643.
Genomic context (GRCh38, chr18:55,464,148, plus strand): 5'-TGGATGTCCTCCATTCCCCCAGGACCCTGAGCTACTTCTGTCTTCTACATCTAGGGACAA[G>C]AGAAAAGTTCTTTAGGCTTTCTTGCAGTAATTTTTTCTTTTTGTATATGCACTTTCAAAT-3'